The following is an entry in ClinVar:

ClinVar aggregate classification (germline): Conflicting classifications of pathogenicity. Review status: criteria provided, conflicting classifications (1 of 4 stars). 6 submissions from 6 submitters: Uncertain significance (2); Likely benign (2). 2 of the submissions do not count toward it. Last evaluated 2026-04-01.

Allele frequency attached by ClinVar (database versions not stated): 1000 Genomes Project 30x 0.00016; 1000 Genomes Project 0.00020; gnomAD 0.00114 and 0.00120; TOPMed 0.00115; gnomAD exomes 0.00121; ExAC 0.00127.
gnomAD v4.1: 2,264 of 1,611,948 alleles (0.14%); highest among the groups gnomAD compares: Non-Finnish European, 0.17%; 18 homozygotes.

Submissions (6):

CeGaT Center for Human Genetics Tuebingen
Classification: Likely benign. Last evaluated: 2026-04-01. Review status: criteria provided, single submitter. Criteria: CeGaT Center For Human Genetics Tuebingen Variant Classification Criteria Version 2. Collection method: clinical testing. Allele origin: germline. Affected: yes. Observed: 1 variant allele.
Comment: CFHR4: BP4, BS2

Women's Health and Genetics/Laboratory Corporation of America, LabCorp
Classification: Likely benign. Last evaluated: 2026-01-22. Review status: criteria provided, single submitter. Criteria: LabCorp Variant Classification Summary - May 2015. Collection method: clinical testing. Allele origin: germline.

Ambry Genetics
Classification: Uncertain significance. Last evaluated: 2024-08-14. Review status: criteria provided, single submitter. Criteria: Ambry Variant Classification Scheme 2023. Collection method: clinical testing. Allele origin: germline.

Mayo Clinic Laboratories, Mayo Clinic
Classification: Uncertain significance. Last evaluated: 2023-10-18. Review status: criteria provided, single submitter. Criteria: ACMG Guidelines, 2015. Collection method: clinical testing. Allele origin: germline. Observed: 1 variant allele.
Comment: BP4

Genome Diagnostics Laboratory, University Medical Center Utrecht
Classification: Likely benign. Review status: no assertion criteria provided. Collection method: clinical testing. Allele origin: germline. Affected: yes. Study: VKGL Data-share Consensus. Not counted in ClinVar's aggregate classification.

Joint Genome Diagnostic Labs from Nijmegen and Maastricht, Radboudumc and MUMC+
Classification: Likely benign. Review status: no assertion criteria provided. Collection method: clinical testing. Allele origin: germline. Affected: yes. Study: VKGL Data-share Consensus. Not counted in ClinVar's aggregate classification.

NM_001201550.3(CFHR4):c.983C>T (p.Thr328Ile)

Gene: CFHR4 (complement factor H related 4; plus strand). Cytogenetic location: 1q31.3.
Variant type: single nucleotide variant.
Coding change: c.983C>T on transcript NM_001201550.3 (MANE Select); coding-DNA position 983, C replaced by T.
Protein change: p.Thr328Ile; replaces threonine 328 with isoleucine.
Molecular consequence: missense variant. On other transcripts: intron variant (1).
Genome position (GRCh38, 1-based): chr1:196,910,464, C>T. VCF-style: chr1-196910464-C-T. GRCh37 (hg19) VCF-style: chr1-196879594-C-T.
Other names: p.Thr327Ile; c.983C>T (NM_001201550.2); c.980C>T, p.Thr327Ile (NM_001201551.2); c.257-2276C>T (NM_006684.5); short protein forms T327I, T328I.
Identifiers: ClinVar variation 1285145 (VCV001285145.8), dbSNP rs200497324, ClinGen allele CA1306987.